The following is an entry in ClinVar:

ClinVar aggregate classification (germline): Uncertain significance. Review status: criteria provided, multiple submitters, no conflicts (2 of 4 stars). 4 submissions from 4 submitters: Uncertain significance (4). Last evaluated 2025-07-14.

Conditions:
Tuberous sclerosis syndrome (TSC). Also called: Tuberous Sclerosis Complex; Tuberous sclerosis. Identifiers: Orphanet 805, MedGen C0041341, MONDO:0001734.
Hereditary cancer-predisposing syndrome. Also called: Tumor predisposition; Neoplastic Syndromes, Hereditary; Hereditary Cancer Syndrome; Hereditary neoplastic syndrome. Identifiers: Orphanet 140162, MedGen C0027672, MeSH D009386, MONDO:0015356.
Tuberous sclerosis 2 (TSC2). Identifiers: Orphanet 805, MedGen C1860707, MONDO:0013199, OMIM 613254.

Allele frequency attached by ClinVar (database versions not stated): gnomAD exomes below 0.00001.
gnomAD v4.1: 1 of 1,613,402 alleles (0.000062%); highest among the groups gnomAD compares: Non-Finnish European, 0.000085%; no homozygotes.

Submissions (4):

Color Diagnostics, LLC DBA Color Health
Classification: Uncertain significance for Tuberous sclerosis syndrome. Last evaluated: 2025-07-14. Review status: criteria provided, single submitter. Criteria: ACMG Guidelines, 2015. Collection method: clinical testing. Allele origin: germline.
Comment: This missense variant replaces cysteine with tyrosine at codon 646 of the TSC2 protein. Computational prediction suggests that this variant may have deleterious impact on protein structure and function. To our knowledge, functional studies have not been reported for this variant. This variant has not been reported in individuals affected with TSC2-related disorders in the literature. This variant has not been identified in the general population by the Genome Aggregation Database (gnomAD). The available evidence is insufficient to determine the role of this variant in disease conclusively. Therefore, this variant is classified as a Variant of Uncertain Significance.

Labcorp Genetics (formerly Invitae), Labcorp
Classification: Uncertain significance for Tuberous sclerosis 2. Last evaluated: 2024-09-15. Review status: criteria provided, single submitter. Criteria: Invitae Variant Classification Sherloc (09022015). Collection method: clinical testing. Allele origin: germline.
Comment: This sequence change replaces cysteine, which is neutral and slightly polar, with tyrosine, which is neutral and polar, at codon 646 of the TSC2 protein (p.Cys646Tyr). This variant is not present in population databases (gnomAD no frequency). This variant has not been reported in the literature in individuals affected with TSC2-related conditions. ClinVar contains an entry for this variant (Variation ID: 486627). Invitae Evidence Modeling of protein sequence and biophysical properties (such as structural, functional, and spatial information, amino acid conservation, physicochemical variation, residue mobility, and thermodynamic stability) indicates that this missense variant is not expected to disrupt TSC2 protein function with a negative predictive value of 95%. In summary, the available evidence is currently insufficient to determine the role of this variant in disease. Therefore, it has been classified as a Variant of Uncertain Significance.

Ambry Genetics
Classification: Uncertain significance for Hereditary cancer-predisposing syndrome. Last evaluated: 2024-04-17. Review status: criteria provided, single submitter. Criteria: Ambry Variant Classification Scheme 2023. Collection method: clinical testing. Allele origin: germline.
Comment: The p.C646Y variant (also known as c.1937G>A), located in coding exon 17 of the TSC2 gene, results from a G to A substitution at nucleotide position 1937. The cysteine at codon 646 is replaced by tyrosine, an amino acid with highly dissimilar properties. This amino acid position is highly conserved in available vertebrate species. In addition, this alteration is predicted to be deleterious by in silico analysis. Since supporting evidence is limited at this time, the clinical significance of this alteration remains unclear.

Genome-Nilou Lab
Classification: Uncertain significance for Tuberous sclerosis 2. Last evaluated: 2021-11-07. Review status: criteria provided, single submitter. Criteria: ACMG Guidelines, 2015. Collection method: clinical testing. Allele origin: germline. Affected: no.

NM_000548.5(TSC2):c.1937G>A (p.Cys646Tyr)

Gene: TSC2 (TSC complex subunit 2; plus strand). Cytogenetic location: 16p13.3.
Variant type: single nucleotide variant.
Coding change: c.1937G>A on transcript NM_000548.5 (MANE Select); coding-DNA position 1937, G replaced by A.
Protein change: p.Cys646Tyr; replaces cysteine 646 with tyrosine.
Molecular consequence: missense variant.
Genome position (GRCh38, 1-based): chr16:2,071,607, G>A. VCF-style: chr16-2071607-G-A. GRCh37 (hg19) VCF-style: chr16-2121608-G-A.
Other names: c.1937G>A, p.Cys646Tyr (NM_001077183.3, NM_001114382.3, NM_001363528.2 and 3 more transcripts); c.1826G>A, p.Cys609Tyr (NM_001318827.2); c.1790G>A, p.Cys597Tyr (NM_001318829.2); c.1337G>A, p.Cys446Tyr (NM_001318831.2); c.1970G>A, p.Cys657Tyr (NM_001318832.2); short protein forms C646Y, C597Y, C609Y, C657Y, C446Y.
Identifiers: ClinVar variation 486627 (VCV000486627.17), dbSNP rs1555505863, ClinGen allele CA394273362.
Genomic context (GRCh38, chr16:2,071,607, plus strand): 5'-TGCACCGCCTGGGCCTGCCCAACAAGGATGGAGTCGTGCGGTTCAGCCCCTACTGCGTCT[G>A]CGACTACATGTACGCGGGACCTCGCCCACGGCCCATGAGGCTCAGGGCGTCAGAGGCGCT-3'
Protein context (NP_000539.2, residues 636-656): GVVRFSPYCV[Cys646Tyr]DYMEPERGSE